The following is an entry in ClinVar:

NM_001278064.2(GRM1):c.445C>A (p.Pro149Thr)

Gene: GRM1 (glutamate metabotropic receptor 1; plus strand). Cytogenetic location: 6q24.3.
Variant type: single nucleotide variant.
Coding change: c.445C>A on transcript NM_001278064.2 (MANE Select); coding-DNA position 445, C replaced by A.
Protein change: p.Pro149Thr; replaces proline 149 with threonine.
Molecular consequence: missense variant.
Genome position (GRCh38, 1-based): chr6:146,029,962, C>A. VCF-style: chr6-146029962-C-A. GRCh37 (hg19) VCF-style: chr6-146351098-C-A.
Other names: c.445C>A, p.Pro149Thr (NM_001278065.2, NM_001278066.1, NM_001278067.1); short protein forms P149T.
Identifiers: ClinVar variation 1878307 (VCV001878307.1), dbSNP rs201784351, ClinGen allele CA4037061.

ClinVar aggregate classification (germline): Uncertain significance (1 of 4 stars; one submission).

Submission:

Women's Health and Genetics/Laboratory Corporation of America, LabCorp
Classification: Uncertain significance. Last evaluated: 2022-12-15. Review status: criteria provided, single submitter. Criteria: LabCorp Variant Classification Summary - May 2015. Collection method: clinical testing. Allele origin: germline.
Comment: Variant summary: GRM1 c.445C>A (p.Pro149Thr) results in a non-conservative amino acid change located in the Receptor, ligand binding region of the encoded protein sequence. Two of four in-silico tools predict a benign effect of the variant on protein function. The variant allele was found at a frequency of 1.6e-05 in 251484 control chromosomes. The available data on variant occurrences in the general population are insufficient to allow any conclusion about variant significance. To our knowledge, no occurrence of c.445C>A in individuals affected with Autosomal Recessive Spinocerebellar Ataxia 13 and no experimental evidence demonstrating its impact on protein function have been reported. No clinical diagnostic laboratories have submitted clinical-significance assessments for this variant to ClinVar after 2014. Based on the evidence outlined above, the variant was classified as uncertain significance.